The following is an entry in ClinVar:

ClinVar aggregate classification (germline): Uncertain significance. Review status: criteria provided, multiple submitters, no conflicts (2 of 4 stars). 2 submissions from 2 submitters: Uncertain significance (2). Last evaluated 2023-05-18.

Conditions:
Epidermolysis bullosa simplex 5C, with pyloric atresia (EBS5C). Also called: PLEC1-Related Epidermolysis Bullosa with Pyloric Atresia; Epidermolysis bullosa simplex with pyloric atresia; PLEC-Related Epidermolysis Bullosa with Pyloric Atresia. Identifiers: Orphanet 158684, MedGen C2677349, MONDO:0012807, OMIM 612138.
Autosomal recessive limb-girdle muscular dystrophy type 2Q (LGMDR17). Also called: MUSCULAR DYSTROPHY, LIMB-GIRDLE, AUTOSOMAL RECESSIVE 17. Identifiers: Orphanet 254361, MedGen C3150989, MONDO:0013390, OMIM 613723.
Epidermolysis bullosa simplex with nail dystrophy (EBS5D). Identifiers: MedGen C4225309, MONDO:0014661, OMIM 616487.
Epidermolysis bullosa simplex 5B, with muscular dystrophy (EBS5B). Also called: Epidermolysis bullosa simplex with muscular dystrophy; EPIDERMOLYSIS BULLOSA SIMPLEX AND LIMB-GIRDLE MUSCULAR DYSTROPHY. Identifiers: Orphanet 257, MedGen C2931072, MONDO:0009181, OMIM 226670.
Epidermolysis bullosa simplex, Ogna type (EBS5A). Also called: EPIDERMOLYSIS BULLOSA SIMPLEX 5A, OGNA TYPE; Pidermolysis bullosa simplex 5A, Ogna type. Identifiers: Orphanet 79401, MedGen C0432317, MONDO:0007555, OMIM 131950.
Inborn genetic diseases. Identifiers: MedGen C0950123, MeSH D030342.

Allele frequency attached by ClinVar (database versions not stated): TOPMed below 0.00001; gnomAD 0.00001; gnomAD exomes 0.00002; ESP Exome Variant Server 0.00008.
gnomAD v4.1: 13 of 1,613,322 alleles (0.00081%); highest among the groups gnomAD compares: East Asian, 0.0089%; no homozygotes.

Submissions (2):

Ambry Genetics
Classification: Uncertain significance for Inborn genetic diseases. Last evaluated: 2023-05-18. Review status: criteria provided, single submitter. Criteria: Ambry Variant Classification Scheme 2023. Collection method: clinical testing. Allele origin: germline.

Labcorp Genetics (formerly Invitae), Labcorp
Classification: Uncertain significance for Autosomal recessive limb-girdle muscular dystrophy type 2Q; Epidermolysis bullosa simplex, Ogna type; Epidermolysis bullosa simplex with nail dystrophy; Epidermolysis bullosa simplex 5C, with pyloric atresia; Epidermolysis bullosa simplex 5B, with muscular dystrophy. Last evaluated: 2022-07-11. Review status: criteria provided, single submitter. Criteria: Invitae Variant Classification Sherloc (09022015). Collection method: clinical testing. Allele origin: germline.
Comment: In summary, the available evidence is currently insufficient to determine the role of this variant in disease. Therefore, it has been classified as a Variant of Uncertain Significance. Algorithms developed to predict the effect of missense changes on protein structure and function are either unavailable or do not agree on the potential impact of this missense change (SIFT: "Tolerated"; PolyPhen-2: "Possibly Damaging"; Align-GVGD: "Class C0"). ClinVar contains an entry for this variant (Variation ID: 844869). This variant has not been reported in the literature in individuals affected with PLEC-related conditions. This variant is present in population databases (rs368603624, gnomAD 0.02%). This sequence change replaces aspartic acid, which is acidic and polar, with glutamic acid, which is acidic and polar, at codon 4029 of the PLEC protein (p.Asp4029Glu).

NM_201384.3(PLEC):c.12006C>G (p.Asp4002Glu)

Gene: PLEC (plectin; minus strand). Cytogenetic location: 8q24.3.
Variant type: single nucleotide variant.
Coding change: c.12006C>G on transcript NM_201384.3 (MANE Select); coding-DNA position 12006, C replaced by G.
Protein change: p.Asp4002Glu; replaces aspartic acid 4002 with glutamic acid.
Molecular consequence: missense variant.
Genome position (GRCh38, 1-based): chr8:143,917,815, G>C on the plus strand (C>G on the coding strand, the complement: PLEC is on the minus strand). VCF-style: chr8-143917815-G-C. GRCh37 (hg19) VCF-style: chr8-144991983-G-C.
Other names: c.12087C>G (NM_000445.3); c.12087C>G, p.Asp4029Glu (NM_000445.5); c.11964C>G, p.Asp3988Glu (NM_201378.4); c.11940C>G, p.Asp3980Glu (NM_201379.3); c.12417C>G, p.Asp4139Glu (NM_201380.4); c.11910C>G, p.Asp3970Glu (NM_201381.3); c.12006C>G, p.Asp4002Glu (NM_201382.4); c.12018C>G, p.Asp4006Glu (NM_201383.3); short protein forms D3988E, D3980E, D4006E, D4139E, D3970E, D4002E, D4029E.
Identifiers: ClinVar variation 844869 (VCV000844869.11), dbSNP rs368603624, ClinGen allele CA187607283.